The following is an entry in ClinVar:

ClinVar aggregate classification (germline): Likely pathogenic (1 of 4 stars; one submission).

Conditions:
Autosomal recessive nonsyndromic hearing loss 4 (DFNB4). Also called: Deafness, autosomal recessive 4, with enlarged vestibular aqueduct; FOXI1-Related Pendred Syndrome; KCNJ10-Related Pendred Syndrome; DEAFNESS, AUTOSOMAL RECESSIVE 4, WITH ENLARGED VESTIBULAR AQUEDUCT, DIGENIC; Deafness, autosomal recessive 4; NEUROSENSORY NONSYNDROMIC RECESSIVE DEAFNESS 4. Identifiers: Orphanet 90636, MedGen C3538946, MONDO:0010933, OMIM 600791.

Submission:

Precision Medicine Center, Zhengzhou University
Classification: Likely pathogenic for Autosomal recessive nonsyndromic hearing loss 4. Review status: criteria provided, single submitter. Criteria: ACMG Guidelines, 2015. Collection method: research. Allele origin: germline. Affected: yes.
Comment: PM2: not found in gnomAD PM3_Strong: Pathogenic mutation confirmed in trans in two patients and phase unknown in one patient PP1: Segregation in one affected relative PP3: REVEL score > 0.7 PP4: Patient's phenotype highly specific for gene

NM_000441.2(SLC26A4):c.1656T>G (p.Ser552Arg)

Gene: SLC26A4 (solute carrier family 26 member 4; plus strand). Cytogenetic location: 7q22.3.
Variant type: single nucleotide variant.
Coding change: c.1656T>G on transcript NM_000441.2 (MANE Select); coding-DNA position 1656, T replaced by G.
Protein change: p.Ser552Arg; replaces serine 552 with arginine.
Molecular consequence: missense variant.
Genome position (GRCh38, 1-based): chr7:107,700,124, T>G. VCF-style: chr7-107700124-T-G. GRCh37 (hg19) VCF-style: chr7-107340569-T-G.
Other names: short protein forms S552R.
Identifiers: ClinVar variation 1065205 (VCV001065205.1), dbSNP rs2129317902, ClinGen allele CA368842173.